The following is an entry in ClinVar:

NM_001048174.2(MUTYH):c.1423G>T (p.Gly475Trp)

Gene: MUTYH (mutY DNA glycosylase; minus strand). Cytogenetic location: 1p34.1.
Variant type: single nucleotide variant.
Coding change: c.1423G>T on transcript NM_001048174.2 (MANE Select); coding-DNA position 1423, G replaced by T.
Protein change: p.Gly475Trp; replaces glycine 475 with tryptophan.
Molecular consequence: missense variant. On other transcripts: non-coding transcript variant (2).
Genome position (GRCh38, 1-based): chr1:45,330,527, C>A on the plus strand (G>T on the coding strand, the complement: MUTYH is on the minus strand). VCF-style: chr1-45330527-C-A. GRCh37 (hg19) VCF-style: chr1-45796199-C-A.
Other names: c.1423G>T, p.Gly475Trp (NM_001048171.2, NM_001048173.2, NM_001293195.2); c.1426G>T, p.Gly476Trp (NM_001048172.2); c.1507G>T, p.Gly503Trp (NM_001128425.2); c.1468G>T, p.Gly490Trp (NM_001293190.2); c.1456G>T, p.Gly486Trp (NM_001293191.2); c.1147G>T, p.Gly383Trp (NM_001293192.2, NM_001293196.2); c.1078G>T, p.Gly360Trp (NM_001350650.2, NM_001350651.2); c.1498G>T, p.Gly500Trp (NM_012222.3); short protein forms G503W, G383W, G475W, G490W, G500W, G360W, G476W, G486W.
Identifiers: ClinVar variation 627803 (VCV000627803.16), dbSNP rs1475081112, ClinGen allele CA340132324.

ClinVar aggregate classification (germline): Conflicting classifications of pathogenicity. Review status: criteria provided, conflicting classifications (1 of 4 stars). 3 submissions from 3 submitters: Uncertain significance (2); Likely benign (1). Last evaluated 2025-09-09.

Conditions:
Hereditary cancer-predisposing syndrome. Also called: Neoplastic Syndromes, Hereditary; Hereditary Cancer Syndrome; Tumor predisposition; Hereditary neoplastic syndrome. Identifiers: Orphanet 140162, MedGen C0027672, MeSH D009386, MONDO:0015356.
Familial adenomatous polyposis 2. Also called: COLORECTAL ADENOMATOUS POLYPOSIS, AUTOSOMAL RECESSIVE; ADENOMAS, MULTIPLE COLORECTAL, AUTOSOMAL RECESSIVE; MUTYH-associated polyposis; MUTYH-related attenuated familial adenomatous polyposis; MUTYH Polyposis; Adenomas, multiple colorectal. Identifiers: Orphanet 220460, Orphanet 247798, MedGen C3272841, MONDO:0012041, OMIM 608456.

Submissions (3):

Ambry Genetics
Classification: Likely benign for Hereditary cancer-predisposing syndrome. Last evaluated: 2025-09-09. Review status: criteria provided, single submitter. Criteria: Ambry Variant Classification Scheme 2023. Collection method: clinical testing. Allele origin: germline.

Labcorp Genetics (formerly Invitae), Labcorp
Classification: Uncertain significance for Familial adenomatous polyposis 2. Last evaluated: 2023-06-22. Review status: criteria provided, single submitter. Criteria: Invitae Variant Classification Sherloc (09022015). Collection method: clinical testing. Allele origin: germline.
Comment: An algorithm developed to predict the effect of missense changes on protein structure and function (PolyPhen-2) suggests that this variant is likely to be disruptive. This sequence change replaces glycine, which is neutral and non-polar, with tryptophan, which is neutral and slightly polar, at codon 503 of the MUTYH protein (p.Gly503Trp). This variant is not present in population databases (gnomAD no frequency). This variant has not been reported in the literature in individuals affected with MUTYH-related conditions. ClinVar contains an entry for this variant (Variation ID: 627803). In summary, the available evidence is currently insufficient to determine the role of this variant in disease. Therefore, it has been classified as a Variant of Uncertain Significance.

Color Diagnostics, LLC DBA Color Health
Classification: Uncertain significance for Hereditary cancer-predisposing syndrome. Last evaluated: 2019-06-30. Review status: criteria provided, single submitter. Criteria: ACMG Guidelines, 2015. Collection method: clinical testing. Allele origin: germline.